The following is an entry in ClinVar:

ClinVar aggregate classification (germline): Conflicting classifications of pathogenicity. Review status: criteria provided, conflicting classifications (1 of 4 stars). 2 submissions from 2 submitters: Uncertain significance (1); Likely benign (1). Last evaluated 2025-12-31.

Conditions:
Hereditary cancer-predisposing syndrome. Also called: Tumor predisposition; Hereditary Cancer Syndrome; Neoplastic Syndromes, Hereditary; Hereditary neoplastic syndrome. Identifiers: Orphanet 140162, MedGen C0027672, MeSH D009386, MONDO:0015356.
Neuroblastoma, susceptibility to, 3. Also called: ALK-Related Neuroblastic Tumor Susceptibility. Identifiers: Orphanet 635, MedGen C2751681, MONDO:0013083, OMIM 613014.

Allele frequency attached by ClinVar (database versions not stated): gnomAD 0.00001 and 0.00002; ExAC 0.00002; gnomAD exomes 0.00002 and 0.00003; TOPMed 0.00003; 1000 Genomes Project 30x 0.00016; 1000 Genomes Project 0.00020.
gnomAD v4.1: 53 of 1,614,058 alleles (0.0033%); highest among the groups gnomAD compares: Admixed American, 0.0067%; no homozygotes.

Submissions (2):

Labcorp Genetics (formerly Invitae), Labcorp
Classification: Uncertain significance for Neuroblastoma, susceptibility to, 3. Last evaluated: 2025-12-31. Review status: criteria provided, single submitter. Criteria: Invitae Variant Classification Sherloc (09022015). Collection method: clinical testing. Allele origin: germline.
Comment: This sequence change replaces valine, which is neutral and non-polar, with methionine, which is neutral and non-polar, at codon 1471 of the ALK protein (p.Val1471Met). This variant is present in population databases (rs201759867, gnomAD 0.006%). This variant has not been reported in the literature in individuals affected with ALK-related conditions. ClinVar contains an entry for this variant (Variation ID: 864205). An algorithm developed to predict the effect of missense changes on protein structure and function outputs the following: PolyPhen-2: "Benign". The methionine amino acid residue is found in multiple mammalian species, which suggests that this missense change does not adversely affect protein function. In summary, the available evidence is currently insufficient to determine the role of this variant in disease. Therefore, it has been classified as a Variant of Uncertain Significance.

Ambry Genetics
Classification: Likely benign for Hereditary cancer-predisposing syndrome. Last evaluated: 2022-04-21. Review status: criteria provided, single submitter. Criteria: Ambry Variant Classification Scheme 2023. Collection method: clinical testing. Allele origin: germline.

NM_004304.5(ALK):c.4411G>A (p.Val1471Met)

Gene: ALK (ALK receptor tyrosine kinase; minus strand). Cytogenetic location: 2p23.2.
Variant type: single nucleotide variant.
Coding change: c.4411G>A on transcript NM_004304.5 (MANE Select); coding-DNA position 4411, G replaced by A.
Protein change: p.Val1471Met; replaces valine 1471 with methionine.
Molecular consequence: missense variant.
Genome position (GRCh38, 1-based): chr2:29,193,676, C>T on the plus strand (G>A on the coding strand, the complement: ALK is on the minus strand). VCF-style: chr2-29193676-C-T. GRCh37 (hg19) VCF-style: chr2-29416542-C-T.
Other names: c.1207G>A, p.Val403Met (NM_001353765.2); short protein forms V1471M, V403M.
Identifiers: ClinVar variation 864205 (VCV000864205.10), dbSNP rs201759867, ClinGen allele CA1593577.